The following is an entry in ClinVar:

ClinVar aggregate classification (germline): Uncertain significance (1 of 4 stars; one submission).

Conditions:
Multiple congenital exostosis (EXT). Also called: MULTIPLE CARTILAGINOUS EXOSTOSES; Hereditary multiple osteochondromas; Hereditary multiple exostoses; Hereditary multiple exostosis; Multiple osteochondromas; Multiple exostoses. Identifiers: Orphanet 321, MedGen C0015306, MONDO:0005508, HP:0002762.

Submission:

Labcorp Genetics (formerly Invitae), Labcorp
Classification: Uncertain significance for Multiple congenital exostosis. Last evaluated: 2023-04-04. Review status: criteria provided, single submitter. Criteria: Invitae Variant Classification Sherloc (09022015). Collection method: clinical testing. Allele origin: germline.
Comment: This sequence change replaces asparagine, which is neutral and polar, with threonine, which is neutral and polar, at codon 281 of the EXT1 protein (p.Asn281Thr). This variant is not present in population databases (gnomAD no frequency). This variant has not been reported in the literature in individuals affected with EXT1-related conditions. Advanced modeling of protein sequence and biophysical properties (such as structural, functional, and spatial information, amino acid conservation, physicochemical variation, residue mobility, and thermodynamic stability) performed at Invitae indicates that this missense variant is expected to disrupt EXT1 protein function. In summary, the available evidence is currently insufficient to determine the role of this variant in disease. Therefore, it has been classified as a Variant of Uncertain Significance.

NM_000127.3(EXT1):c.842A>C (p.Asn281Thr)

Gene: EXT1 (exostosin glycosyltransferase 1; minus strand). Cytogenetic location: 8q24.11.
Variant type: single nucleotide variant.
Coding change: c.842A>C on transcript NM_000127.3 (MANE Select); coding-DNA position 842, A replaced by C.
Protein change: p.Asn281Thr; replaces asparagine 281 with threonine.
Molecular consequence: missense variant.
Genome position (GRCh38, 1-based): chr8:118,110,205, T>G on the plus strand (A>C on the coding strand, the complement: EXT1 is on the minus strand). VCF-style: chr8-118110205-T-G. GRCh37 (hg19) VCF-style: chr8-119122444-T-G.
Other names: short protein forms N281T.
Identifiers: ClinVar variation 2851946 (VCV002851946.3), dbSNP rs2488050625, ClinGen allele CA371914936.